The following is an entry in ClinVar:

ClinVar aggregate classification (germline): Uncertain significance (1 of 4 stars; one submission).

Allele frequency attached by ClinVar (database versions not stated): TOPMed 0.00006; ESP Exome Variant Server 0.00008; gnomAD exomes 0.00009; ExAC 0.00010; gnomAD 0.00017.

Submission:

Labcorp Genetics (formerly Invitae), Labcorp
Classification: Uncertain significance. Last evaluated: 2025-08-15. Review status: criteria provided, single submitter. Criteria: Invitae Variant Classification Sherloc (09022015). Collection method: clinical testing. Allele origin: germline.
Comment: This sequence change affects the initiator codon of the CD96 mRNA. This change may impact translation initiation or efficiency. The next in-frame methionine is located at codon 56. This variant is present in population databases (rs201217931, gnomAD 0.02%). This variant has not been reported in the literature in individuals affected with CD96-related conditions. ClinVar contains an entry for this variant (Variation ID: 2175676). In summary, the available evidence is currently insufficient to determine the role of this variant in disease. Therefore, it has been classified as a Variant of Uncertain Significance.

NM_005816.5(CD96):c.2T>C (p.Met1Thr)

Gene: CD96 (CD96 molecule; plus strand). Cytogenetic location: 3q13.13.
Variant type: single nucleotide variant.
Coding change: c.2T>C on transcript NM_005816.5 (MANE Select); coding-DNA position 2, T replaced by C.
Protein change: p.Met1Thr; changes the start codon (methionine 1).
Molecular consequence: missense variant, initiator codon variant. On other transcripts: non-coding transcript variant (1).
Genome position (GRCh38, 1-based): chr3:111,542,250, T>C. VCF-style: chr3-111542250-T-C. GRCh37 (hg19) VCF-style: chr3-111261097-T-C.
Other names: c.2T>C, p.Met1Thr (NM_001318889.2, NM_001410800.1, NM_198196.3); short protein forms M1T.
Identifiers: ClinVar variation 2175676 (VCV002175676.5), dbSNP rs201217931, ClinGen allele CA2534053.